The following is an entry in ClinVar:

ClinVar aggregate classification (germline): Uncertain significance. Review status: criteria provided, multiple submitters, no conflicts (2 of 4 stars). 5 submissions from 5 submitters: Uncertain significance (5). Last evaluated 2024-07-02.

Conditions:
Autosomal recessive ataxia, Beauce type. Also called: Spinocerebellar ataxia, autosomal recessive 8; ATAXIA, RECESSIVE, OF BEAUCE; SYNE1 Deficiency; SYNE1-Related Autosomal Recessive Cerebellar Ataxia. Identifiers: Orphanet 88644, MedGen C1853116, MONDO:0012549, OMIM 610743.
Emery-Dreifuss muscular dystrophy 4, autosomal dominant (EDMD4). Also called: EMERY-DREIFUSS MUSCULAR DYSTROPHY 4 WITH VARIABLE FEATURES. Identifiers: Orphanet 261, MedGen C2751807, MONDO:0013071, OMIM 612998.

Allele frequency attached by ClinVar (database versions not stated): gnomAD exomes 0.00002; gnomAD 0.00005 and 0.00006; TOPMed 0.00006; ESP Exome Variant Server 0.00015.
gnomAD v4.1: 52 of 1,613,994 alleles (0.0032%); highest among the groups gnomAD compares: Admixed American, 0.0067%; no homozygotes.

Submissions (5):

GeneDx
Classification: Uncertain significance. Last evaluated: 2024-07-02. Review status: criteria provided, single submitter. Criteria: GeneDx Variant Classification Process June 2021. Collection method: clinical testing. Allele origin: germline. Affected: yes.
Comment: In silico analysis indicates that this missense variant does not alter protein structure/function; Has not been previously published as pathogenic or benign to our knowledge

Labcorp Genetics (formerly Invitae), Labcorp
Classification: Uncertain significance for Emery-Dreifuss muscular dystrophy 4, autosomal dominant; Autosomal recessive ataxia, Beauce type. Last evaluated: 2023-06-10. Review status: criteria provided, single submitter. Criteria: Invitae Variant Classification Sherloc (09022015). Collection method: clinical testing. Allele origin: germline.
Comment: In summary, the available evidence is currently insufficient to determine the role of this variant in disease. Therefore, it has been classified as a Variant of Uncertain Significance. An algorithm developed to predict the effect of missense changes on protein structure and function (PolyPhen-2) suggests that this variant¬¨‚Ä†is likely to be tolerated. ClinVar contains an entry for this variant (Variation ID: 290914). This variant has not been reported in the literature in individuals affected with SYNE1-related conditions. This variant is present in population databases (rs367594476, gnomAD 0.004%). This sequence change replaces glutamic acid, which is acidic and polar, with lysine, which is basic and polar, at codon 2039 of the SYNE1 protein (p.Glu2039Lys).

Revvity Omics, Revvity
Classification: Uncertain significance. Last evaluated: 2021-10-26. Review status: criteria provided, single submitter. Criteria: ACMG Guidelines, 2015. Collection method: clinical testing. Allele origin: germline.

Athena Diagnostics
Classification: Uncertain significance. Last evaluated: 2019-02-26. Review status: criteria provided, single submitter. Criteria: Athena Diagnostics Criteria. Collection method: clinical testing. Allele origin: germline.

Eurofins Ntd Llc (ga)
Classification: Uncertain significance. Last evaluated: 2016-08-24. Review status: criteria provided, single submitter. Criteria: EGL Classification Definitions 2015. Collection method: clinical testing. Allele origin: germline. Observed: 1 variant allele, 1 heterozygote.

NM_182961.4(SYNE1):c.6094G>A (p.Glu2032Lys)

Gene: SYNE1 (spectrin repeat containing nuclear envelope protein 1; minus strand). Cytogenetic location: 6q25.2.
Variant type: single nucleotide variant.
Coding change: c.6094G>A on transcript NM_182961.4 (MANE Select); coding-DNA position 6094, G replaced by A.
Protein change: p.Glu2032Lys; replaces glutamic acid 2032 with lysine.
Molecular consequence: missense variant.
Genome position (GRCh38, 1-based): chr6:152,413,488, C>T on the plus strand (G>A on the coding strand, the complement: SYNE1 is on the minus strand). VCF-style: chr6-152413488-C-T. GRCh37 (hg19) VCF-style: chr6-152734623-C-T.
Other names: c.6115G>A (NM_033071.3); c.6115G>A, p.Glu2039Lys (NM_033071.5); short protein forms E2039K, E2032K.
Identifiers: ClinVar variation 290914 (VCV000290914.13), dbSNP rs367594476, ClinGen allele CA4058164.